The following is an entry in ClinVar:

ClinVar aggregate classification (germline): Likely pathogenic (1 of 4 stars; one submission).

Conditions:
MIP-related disorder. Also called: MIP-related condition.

gnomAD v4.1: 5 of 1,613,094 alleles (0.00031%); highest among the groups gnomAD compares: Non-Finnish European, 0.00042%; no homozygotes.

Submission:

PreventionGenetics, part of Exact Sciences
Classification: Likely pathogenic for MIP-related condition. Last evaluated: 2025-03-06. Review status: criteria provided, single submitter. Criteria: ACMG Guidelines, 2015. Collection method: clinical testing. Allele origin: germline.
Comment: The MIP c.362T>A variant is predicted to result in premature protein termination (p.Leu121*). To our knowledge, this variant has not been reported in the literature. This variant is reported in 0.0016% of alleles in individuals of European (Non-Finnish) descent in gnomAD. Nonsense variants in MIP are expected to be pathogenic. This variant is interpreted as likely pathogenic.

NM_012064.4(MIP):c.362T>A (p.Leu121Ter)

Gene: MIP (major intrinsic protein of lens fiber; minus strand). Cytogenetic location: 12q13.3.
Variant type: single nucleotide variant.
Coding change: c.362T>A on transcript NM_012064.4 (MANE Select); coding-DNA position 362, T replaced by A.
Protein change: p.Leu121Ter; replaces leucine 121 with a stop codon.
Molecular consequence: nonsense.
Genome position (GRCh38, 1-based): chr12:56,453,754, A>T on the plus strand (T>A on the coding strand, the complement: MIP is on the minus strand). VCF-style: chr12-56453754-A-T. GRCh37 (hg19) VCF-style: chr12-56847538-A-T.
Other names: short protein forms L121*.
Identifiers: ClinVar variation 4985424 (VCV004985424.1).